The following is an entry in ClinVar:

ClinVar aggregate classification (germline): Uncertain significance (1 of 4 stars; one submission).

Conditions:
Autosomal recessive limb-girdle muscular dystrophy type 2A (LGMDR1). Also called: LEYDEN-MOEBIUS MUSCULAR DYSTROPHY; MUSCULAR DYSTROPHY, PELVOFEMORAL; Calpainopathy; Limb-girdle muscular dystrophy, type 2A; Muscular dystrophy, limb-girdle, type 2A, Amish. Identifiers: Orphanet 267, MedGen C1869123, MONDO:0009675, OMIM 253600. Disease mechanism: loss of function.

Allele frequency attached by ClinVar (database versions not stated): TOPMed 0.00001.

Submission:

Labcorp Genetics (formerly Invitae), Labcorp
Classification: Uncertain significance for Autosomal recessive limb-girdle muscular dystrophy type 2A. Last evaluated: 2022-08-05. Review status: criteria provided, single submitter. Criteria: Invitae Variant Classification Sherloc (09022015). Collection method: clinical testing. Allele origin: germline.
Comment: In summary, the available evidence is currently insufficient to determine the role of this variant in disease. Therefore, it has been classified as a Variant of Uncertain Significance. Algorithms developed to predict the effect of missense changes on protein structure and function are either unavailable or do not agree on the potential impact of this missense change (SIFT: "Tolerated"; PolyPhen-2: "Probably Damaging"; Align-GVGD: "Class C0"). This variant has not been reported in the literature in individuals affected with CAPN3-related conditions. This variant is not present in population databases (gnomAD no frequency). This sequence change replaces tyrosine, which is neutral and polar, with histidine, which is basic and polar, at codon 734 of the CAPN3 protein (p.Tyr734His).

NM_000070.3(CAPN3):c.2200T>C (p.Tyr734His)

Gene: CAPN3 (calpain 3; plus strand). Cytogenetic location: 15q15.1.
Variant type: single nucleotide variant.
Coding change: c.2200T>C on transcript NM_000070.3 (MANE Select); coding-DNA position 2200, T replaced by C.
Protein change: p.Tyr734His; replaces tyrosine 734 with histidine.
Molecular consequence: missense variant.
Genome position (GRCh38, 1-based): chr15:42,410,603, T>C. VCF-style: chr15-42410603-T-C. GRCh37 (hg19) VCF-style: chr15-42702801-T-C.
Other names: c.2182T>C, p.Tyr728His (NM_024344.2); c.1924T>C, p.Tyr642His (NM_173087.2); c.664T>C, p.Tyr222His (NM_173088.2); c.205T>C, p.Tyr69His (NM_173089.2, NM_173090.2); c.*1298T>C (NM_212464.2); c.*1875T>C (NM_212467.2); short protein forms Y222H, Y69H, Y728H, Y734H, Y642H.
Identifiers: ClinVar variation 1908575 (VCV001908575.5), dbSNP rs927755836, ClinGen allele CA269853616.
Genomic context (GRCh38, chr15:42,410,603, plus strand): 5'-GGAGATTCAGTGTGTGACCTCCATCCTCAAATTTTCTATTGCCAGAAAATTTTCAAACAC[T>C]ATGACACAGACCAGTCCGGCACCATCAACAGCTACGAGATGCGAAATGCAGTCAACGACG-3'
Protein context (NP_000061.1, residues 724-744): IKAWQKIFKH[Tyr734His]DTDQSGTINS